The following is an entry in ClinVar:

NC_000022.10:g.(?_20039968)_(20052185_?)dup

Gene: TANGO2 (transport and golgi organization 2 homolog; plus strand). Cytogenetic location: 22q11.21.
Variant type: Duplication.
Identifiers: ClinVar variation 2427423 (VCV002427423.3).

ClinVar aggregate classification (germline): Uncertain significance (1 of 4 stars; one submission).

Submission:

Labcorp Genetics (formerly Invitae), Labcorp
Classification: Uncertain significance. Last evaluated: 2021-12-22. Review status: criteria provided, single submitter. Criteria: Invitae Variant Classification Sherloc (09022015). Collection method: clinical testing. Allele origin: germline.
Comment: In summary, the available evidence is currently insufficient to determine the role of this variant in disease. Therefore, it has been classified as a Variant of Uncertain Significance. Experimental studies and prediction algorithms are not available or were not evaluated, and the functional significance of this variant is currently unknown. This variant has not been reported in the literature in individuals affected with TANGO2-related conditions. This variant results in a copy number gain of the genomic region encompassing exon(s) 4-9 of the TANGO2 gene. This region includes the termination codon of the gene. This copy number gain extends beyond the assayed region for this gene and therefore may encompass additional genes. As the precise location of this event is unknown, it may be in tandem or it may be located elsewhere in the genome.